The following is an entry in ClinVar:

NM_000138.5(FBN1):c.5620T>C (p.Cys1874Arg)

Gene: FBN1 (fibrillin 1; minus strand). Cytogenetic location: 15q21.1.
Variant type: single nucleotide variant.
Coding change: c.5620T>C on transcript NM_000138.5 (MANE Select); coding-DNA position 5620, T replaced by C.
Protein change: p.Cys1874Arg; replaces cysteine 1874 with arginine.
Molecular consequence: missense variant.
Genome position (GRCh38, 1-based): chr15:48,448,819, A>G on the plus strand (T>C on the coding strand, the complement: FBN1 is on the minus strand). VCF-style: chr15-48448819-A-G. GRCh37 (hg19) VCF-style: chr15-48741016-A-G.
Other names: c.5620T>C, p.Cys1874Arg (NM_001406716.1); short protein forms C1874R.
Identifiers: ClinVar variation 3066266 (VCV003066266.1), dbSNP rs2505463243, ClinGen allele CA392341903.

ClinVar aggregate classification (germline): Pathogenic (1 of 4 stars; one submission).

Conditions:
Marfan syndrome (MFS). Also called: MARFAN SYNDROME, TYPE I; Marfan syndrome type 1; Marfan's syndrome; Marfan syndrome, classic; FBN1-Related Marfan Syndrome. Identifiers: Orphanet 284963, Orphanet 558, MedGen C0024796, MONDO:0007947, OMIM 154700.

Submission:

MVZ Medizinische Genetik Mainz
Classification: Pathogenic for Marfan syndrome. Last evaluated: 2022-02-17. Review status: criteria provided, single submitter. Criteria: UK Practice Guidelines For Variant Classification V4 01 2020. Collection method: clinical testing. Allele origin: germline. Inheritance: Autosomal dominant inheritance. Affected: yes. Observed: 1 variant allele.
Comment: ACMG Criteria: PM1_STR, PM2_SUP, PM6, PM5_SUP, PP2, PP3